The following is an entry in ClinVar:

NM_015192.4(PLCB1):c.2302C>T (p.Arg768Trp)

Gene: PLCB1 (phospholipase C beta 1; plus strand). Cytogenetic location: 20p12.3.
Variant type: single nucleotide variant.
Coding change: c.2302C>T on transcript NM_015192.4 (MANE Select); coding-DNA position 2302, C replaced by T.
Protein change: p.Arg768Trp; replaces arginine 768 with tryptophan.
Molecular consequence: missense variant.
Genome position (GRCh38, 1-based): chr20:8,739,354, C>T. VCF-style: chr20-8739354-C-T. GRCh37 (hg19) VCF-style: chr20-8720001-C-T.
Other names: c.2302C>T, p.Arg768Trp (NM_182734.3); c.2302C>T (NM_015192.2); short protein forms R768W.
Identifiers: ClinVar variation 1968442 (VCV001968442.6), dbSNP rs769143808, ClinGen allele CA408207814.

ClinVar aggregate classification (germline): Uncertain significance. Review status: criteria provided, multiple submitters, no conflicts (2 of 4 stars). 2 submissions from 2 submitters: Uncertain significance (2). Last evaluated 2024-04-26.

Conditions:
Developmental and epileptic encephalopathy, 12 (DEE12). Identifiers: MedGen C3150988, MONDO:0013389, OMIM 613722.

gnomAD v4.1: 11 of 1,605,184 alleles (0.00069%); highest among the groups gnomAD compares: South Asian, 0.0011%; no homozygotes.

Submissions (2):

GeneDx
Classification: Uncertain significance. Last evaluated: 2024-04-26. Review status: criteria provided, single submitter. Criteria: GeneDx Variant Classification Process June 2021. Collection method: clinical testing. Allele origin: germline. Affected: yes.
Comment: Not observed at significant frequency in large population cohorts (gnomAD); In silico analysis supports that this missense variant has a deleterious effect on protein structure/function; Has not been previously published as pathogenic or benign to our knowledge

Labcorp Genetics (formerly Invitae), Labcorp
Classification: Uncertain significance for Developmental and epileptic encephalopathy, 12. Last evaluated: 2022-08-05. Review status: criteria provided, single submitter. Criteria: Invitae Variant Classification Sherloc (09022015). Collection method: clinical testing. Allele origin: germline.
Comment: This sequence change replaces arginine, which is basic and polar, with tryptophan, which is neutral and slightly polar, at codon 768 of the PLCB1 protein (p.Arg768Trp). This variant is not present in population databases (gnomAD no frequency). This variant has not been reported in the literature in individuals affected with PLCB1-related conditions. Algorithms developed to predict the effect of missense changes on protein structure and function are either unavailable or do not agree on the potential impact of this missense change (SIFT: "Deleterious"; PolyPhen-2: "Probably Damaging"; Align-GVGD: "Class C0"). In summary, the available evidence is currently insufficient to determine the role of this variant in disease. Therefore, it has been classified as a Variant of Uncertain Significance.